The following is an entry in ClinVar:

NM_014141.6(CNTNAP2):c.3475+15C>T

Gene: CNTNAP2 (contactin associated protein 2; plus strand). Cytogenetic location: 7q36.1.
Variant type: single nucleotide variant.
Coding change: c.3475+15C>T on transcript NM_014141.6 (MANE Select); 15 bases into the intron after coding-DNA position 3475, C replaced by T.
Molecular consequence: intron variant.
Genome position (GRCh38, 1-based): chr7:148,267,141, C>T. VCF-style: chr7-148267141-C-T. GRCh37 (hg19) VCF-style: chr7-147964233-C-T.
Identifiers: ClinVar variation 377713 (VCV000377713.9), dbSNP rs201902109, ClinGen allele CA4546660.

ClinVar aggregate classification (germline): Likely benign. Review status: criteria provided, multiple submitters, no conflicts (2 of 4 stars). 2 submissions from 2 submitters: Likely benign (2). Last evaluated 2024-02-16.

Conditions:
Cortical dysplasia-focal epilepsy syndrome (PTHSL1). Also called: Pitt-Hopkins-like syndrome 1. Identifiers: Orphanet 163681, Orphanet 221150, MedGen C2750246, MONDO:0012400, OMIM 610042.

Allele frequency attached by ClinVar (database versions not stated): gnomAD 0.00001; gnomAD exomes 0.00004 and 0.00015; TOPMed 0.00004; ExAC 0.00005; ESP Exome Variant Server 0.00008; 1000 Genomes Project 0.00020; 1000 Genomes Project 30x 0.00031.
gnomAD v4.1: 211 of 1,599,176 alleles (0.013%); highest among the groups gnomAD compares: Non-Finnish European, 0.018%; no homozygotes.

Submissions (2):

Labcorp Genetics (formerly Invitae), Labcorp
Classification: Likely benign for Cortical dysplasia-focal epilepsy syndrome. Last evaluated: 2024-02-16. Review status: criteria provided, single submitter. Criteria: Invitae Variant Classification Sherloc (09022015). Collection method: clinical testing. Allele origin: germline.

GeneDx
Classification: Likely benign. Last evaluated: 2018-01-19. Review status: criteria provided, single submitter. Criteria: GeneDx Variant Classification (06012015). Collection method: clinical testing. Allele origin: germline. Affected: yes.
Comment: This variant is considered likely benign or benign based on one or more of the following criteria: it is a conservative change, it occurs at a poorly conserved position in the protein, it is predicted to be benign by multiple in silico algorithms, and/or has population frequency not consistent with disease.